The following is an entry in ClinVar:

NM_004369.4(COL6A3):c.3737C>T (p.Pro1246Leu)

Gene: COL6A3 (collagen type VI alpha 3 chain; minus strand). Cytogenetic location: 2q37.3.
Variant type: single nucleotide variant.
Coding change: c.3737C>T on transcript NM_004369.4 (MANE Select); coding-DNA position 3737, C replaced by T.
Protein change: p.Pro1246Leu; replaces proline 1246 with leucine.
Molecular consequence: missense variant.
Genome position (GRCh38, 1-based): chr2:237,372,280, G>A on the plus strand (C>T on the coding strand, the complement: COL6A3 is on the minus strand). VCF-style: chr2-237372280-G-A. GRCh37 (hg19) VCF-style: chr2-238280923-G-A.
Other names: c.2516C>T, p.Pro839Leu (NM_057164.5); c.3119C>T, p.Pro1040Leu (NM_057165.5, NM_057167.4); c.1916C>T, p.Pro639Leu (NM_057166.5); short protein forms P1040L, P1246L, P639L, P839L.
Identifiers: ClinVar variation 2440451 (VCV002440451.6), dbSNP rs1276235131, ClinGen allele CA351199531.
Genomic context (GRCh38, chr2:237,372,280, plus strand): 5'-AAGCCCACGTCCAGGTAGTCAACCAGCCTCTCTATGAGGGTGCGAACGTACTGGAACTCA[G>A]GCCCGGCACTTTGGGACCCATCGATGAGAAAGACCACGTCCCTCTTGCCACCAACACCTG-3'
Protein context (NP_004360.2, residues 1236-1256): FLIDGSQSAG[Pro1246Leu]EFQYVRTLIE

ClinVar aggregate classification (germline): Uncertain significance. Review status: criteria provided, multiple submitters, no conflicts (2 of 4 stars). 3 submissions from 3 submitters: Uncertain significance (3). Last evaluated 2024-11-30.

Conditions:
Inborn genetic diseases. Identifiers: MedGen C0950123, MeSH D030342.
Bethlem myopathy 1A. Also called: MYOPATHY, BENIGN CONGENITAL, WITH CONTRACTURES; Bethlem myopathy 1; Bethlem Muscular Dystrophy. Identifiers: Orphanet 610, MedGen CN029274, MONDO:0024530, OMIM 158810.

Allele frequency attached by ClinVar (database versions not stated): gnomAD exomes below 0.00001; gnomAD 0.00001; TOPMed 0.00001.

Submissions (3):

Ambry Genetics
Classification: Uncertain significance for Inborn genetic diseases. Last evaluated: 2024-11-30. Review status: criteria provided, single submitter. Criteria: Ambry Variant Classification Scheme 2023. Collection method: clinical testing. Allele origin: germline.

Labcorp Genetics (formerly Invitae), Labcorp
Classification: Uncertain significance for Bethlem myopathy 1A. Last evaluated: 2024-08-03. Review status: criteria provided, single submitter. Criteria: Invitae Variant Classification Sherloc (09022015). Collection method: clinical testing. Allele origin: germline.
Comment: This sequence change replaces proline, which is neutral and non-polar, with leucine, which is neutral and non-polar, at codon 1246 of the COL6A3 protein (p.Pro1246Leu). This variant is present in population databases (no rsID available, gnomAD 0.002%). This variant has not been reported in the literature in individuals affected with COL6A3-related conditions. ClinVar contains an entry for this variant (Variation ID: 2440451). Advanced modeling of protein sequence and biophysical properties (such as structural, functional, and spatial information, amino acid conservation, physicochemical variation, residue mobility, and thermodynamic stability) performed at Invitae indicates that this missense variant is not expected to disrupt COL6A3 protein function with a negative predictive value of 80%. In summary, the available evidence is currently insufficient to determine the role of this variant in disease. Therefore, it has been classified as a Variant of Uncertain Significance.

Revvity Omics, Revvity
Classification: Uncertain significance. Last evaluated: 2019-12-09. Review status: criteria provided, single submitter. Criteria: ACMG Guidelines, 2015. Collection method: clinical testing. Allele origin: germline.